The following is an entry in ClinVar:

ClinVar aggregate classification (germline): Uncertain significance (1 of 4 stars; one submission).

Conditions:
Congenital myasthenic syndrome 8. Also called: MYASTHENIC SYNDROME, CONGENITAL, DUE TO AGRIN DEFICIENCY; Myasthenic syndrome, congenital, 8, with pre- and postsynaptic defects. Identifiers: Orphanet 590, MedGen C3808739, MONDO:0014052, OMIM 615120.

Submission:

Labcorp Genetics (formerly Invitae), Labcorp
Classification: Uncertain significance for Congenital myasthenic syndrome 8. Last evaluated: 2022-02-03. Review status: criteria provided, single submitter. Criteria: Invitae Variant Classification Sherloc (09022015). Collection method: clinical testing. Allele origin: germline.
Comment: In summary, the available evidence is currently insufficient to determine the role of this variant in disease. Therefore, it has been classified as a Variant of Uncertain Significance. Algorithms developed to predict the effect of sequence changes on RNA splicing suggest that this variant may create or strengthen a splice site. Algorithms developed to predict the effect of missense changes on protein structure and function are either unavailable or do not agree on the potential impact of this missense change (SIFT: "Deleterious"; PolyPhen-2: "Possibly Damaging"; Align-GVGD: "Class C0"). ClinVar contains an entry for this variant (Variation ID: 943319). This variant has not been reported in the literature in individuals affected with AGRN-related conditions. This variant is not present in population databases (gnomAD no frequency). This sequence change replaces aspartic acid, which is acidic and polar, with glycine, which is neutral and non-polar, at codon 857 of the AGRN protein (p.Asp857Gly).

NM_198576.4(AGRN):c.2570A>G (p.Asp857Gly)

Gene: AGRN (agrin; plus strand). Cytogenetic location: 1p36.33.
Variant type: single nucleotide variant.
Coding change: c.2570A>G on transcript NM_198576.4 (MANE Select); coding-DNA position 2570, A replaced by G.
Protein change: p.Asp857Gly; replaces aspartic acid 857 with glycine.
Molecular consequence: missense variant.
Genome position (GRCh38, 1-based): chr1:1,045,766, A>G. VCF-style: chr1-1045766-A-G. GRCh37 (hg19) VCF-style: chr1-981146-A-G.
Other names: c.2570A>G, p.Asp857Gly (NM_001305275.2); c.2255A>G, p.Asp752Gly (NM_001364727.2); short protein forms D857G, D752G.
Identifiers: ClinVar variation 943319 (VCV000943319.9), dbSNP rs1645073077, ClinGen allele CA337841148.
Genomic context (GRCh38, chr1:1,045,766, plus strand): 5'-CACGTTCCTCCCCGATTTTCCCCAAAGCCTGCAGCTGTGATCCCCAAGGCGCCGTGCGGG[A>G]TGACTGTGAGCAGATGACGGGGCTGTGCTCGTGTAAGCCCGGGGTGGCTGGACCCAAGTG-3'
Protein context (NP_940978.2, residues 847-867): CSCDPQGAVR[Asp857Gly]DCEQMTGLCS